The following is an entry in ClinVar:

NM_001134363.3(RBM20):c.3612G>C (p.Glu1204Asp)

Gene: RBM20 (RNA binding motif protein 20; plus strand). Cytogenetic location: 10q25.2.
Variant type: single nucleotide variant.
Coding change: c.3612G>C on transcript NM_001134363.3 (MANE Select); coding-DNA position 3612, G replaced by C.
Protein change: p.Glu1204Asp; replaces glutamic acid 1204 with aspartic acid.
Molecular consequence: missense variant.
Genome position (GRCh38, 1-based): chr10:110,835,906, G>C. VCF-style: chr10-110835906-G-C. GRCh37 (hg19) VCF-style: chr10-112595664-G-C.
Other names: short protein forms E1204D.
Identifiers: ClinVar variation 3636980 (VCV003636980.2).

ClinVar aggregate classification (germline): Uncertain significance (1 of 4 stars; one submission).

Conditions:
Dilated cardiomyopathy 1DD (CMD1DD). Identifiers: Orphanet 154, MedGen C2750995, MONDO:0013168, OMIM 613172.

Submission:

Labcorp Genetics (formerly Invitae), Labcorp
Classification: Uncertain significance for Dilated cardiomyopathy 1DD. Last evaluated: 2024-06-25. Review status: criteria provided, single submitter. Criteria: Invitae Variant Classification Sherloc (09022015). Collection method: clinical testing. Allele origin: germline.
Comment: This sequence change replaces glutamic acid, which is acidic and polar, with aspartic acid, which is acidic and polar, at codon 1204 of the RBM20 protein (p.Glu1204Asp). This variant is not present in population databases (gnomAD no frequency). This variant has not been reported in the literature in individuals affected with RBM20-related conditions. Advanced modeling of protein sequence and biophysical properties (such as structural, functional, and spatial information, amino acid conservation, physicochemical variation, residue mobility, and thermodynamic stability) performed at Invitae indicates that this missense variant is not expected to disrupt RBM20 protein function with a negative predictive value of 95%. In summary, the available evidence is currently insufficient to determine the role of this variant in disease. Therefore, it has been classified as a Variant of Uncertain Significance.